The following is an entry in ClinVar:

ClinVar aggregate classification (germline): Likely benign. Review status: criteria provided, single submitter (1 of 4 stars). 2 submissions from 2 submitters: Likely benign (1). 1 of the submissions does not count toward it. Last evaluated 2025-10-01.

Conditions:
DNAH17-related disorder. Also called: DNAH17-related condition.

Allele frequency attached by ClinVar (database versions not stated): ExAC 0.00025; ESP Exome Variant Server 0.00038.
gnomAD v4.1: 270 of 1,613,490 alleles (0.017%); highest among the groups gnomAD compares: East Asian, 0.011%; no homozygotes.

Submissions (2):

CeGaT Center for Human Genetics Tuebingen
Classification: Likely benign. Last evaluated: 2025-10-01. Review status: criteria provided, single submitter. Criteria: CeGaT Center For Human Genetics Tuebingen Variant Classification Criteria Version 2. Collection method: clinical testing. Allele origin: germline. Affected: yes. Observed: 2 variant alleles.
Comment: DNAH17: BP4, BP7

PreventionGenetics, part of Exact Sciences
Classification: Likely benign for DNAH17-related condition. Last evaluated: 2019-03-08. Review status: no assertion criteria provided. Collection method: clinical testing. Allele origin: germline. Not counted in ClinVar's aggregate classification.
Comment: This variant is classified as likely benign based on ACMG/AMP sequence variant interpretation guidelines (Richards et al. 2015 PMID: 25741868, with internal and published modifications).

NM_173628.4(DNAH17):c.1758C>T (p.Ala586=)

Gene: DNAH17 (dynein axonemal heavy chain 17; minus strand). Cytogenetic location: 17q25.3.
Variant type: single nucleotide variant.
Coding change: c.1758C>T on transcript NM_173628.4 (MANE Select); coding-DNA position 1758, C replaced by T.
Protein change: p.Ala586=; no amino-acid change (alanine 586 retained).
Molecular consequence: synonymous variant.
Genome position (GRCh38, 1-based): chr17:78,561,792, G>A on the plus strand (C>T on the coding strand, the complement: DNAH17 is on the minus strand). VCF-style: chr17-78561792-G-A. GRCh37 (hg19) VCF-style: chr17-76557874-G-A.
Other names: c.1758C>T (NM_173628.3).
Identifiers: ClinVar variation 3025419 (VCV003025419.23), dbSNP rs201399166, ClinGen allele CA8805031.
Genomic context (GRCh38, chr17:78,561,792, plus strand): 5'-CAGGTGTTTCATGGACACCTCTAGCCTCTCCTGCAGCTCCAGGCTCCATTTGAGCTGCCC[G>A]GCCACGGGAGGCATGTTTTTGTGGATCAGGGGGATGTTCCCCTCCTCGGAGGCCGCCATC-3'
Protein context (NP_775899.3, residues 576-596): PLIHKNMPPV[Ala586=]GQLKWSLELQ